The following is an entry in ClinVar:

ClinVar aggregate classification (germline): Uncertain significance (1 of 4 stars; one submission).

Conditions:
Hereditary cancer-predisposing syndrome. Also called: Tumor predisposition; Neoplastic Syndromes, Hereditary; Hereditary neoplastic syndrome; Hereditary Cancer Syndrome. Identifiers: Orphanet 140162, MedGen C0027672, MeSH D009386, MONDO:0015356.

Submission:

Ambry Genetics
Classification: Uncertain significance for Hereditary cancer-predisposing syndrome. Last evaluated: 2025-08-27. Review status: criteria provided, single submitter. Criteria: Ambry Variant Classification Scheme 2023. Collection method: clinical testing. Allele origin: germline.
Comment: The p.S514C variant (also known as c.1541C>G), located in coding exon 16 of the MUTYH gene, results from a C to G substitution at nucleotide position 1541. The serine at codon 514 is replaced by cysteine, an amino acid with dissimilar properties. This amino acid position is conserved. In addition, this alteration is predicted to be tolerated by in silico analysis. Based on the available evidence, the clinical significance of this variant remains unclear.

NM_001048174.2(MUTYH):c.1457C>G (p.Ser486Cys)

Gene: MUTYH (mutY DNA glycosylase; minus strand). Cytogenetic location: 1p34.1.
Variant type: single nucleotide variant.
Coding change: c.1457C>G on transcript NM_001048174.2 (MANE Select); coding-DNA position 1457, C replaced by G.
Protein change: p.Ser486Cys; replaces serine 486 with cysteine.
Molecular consequence: missense variant. On other transcripts: non-coding transcript variant (7).
Genome position (GRCh38, 1-based): chr1:45,329,415, G>C on the plus strand (C>G on the coding strand, the complement: MUTYH is on the minus strand). VCF-style: chr1-45329415-G-C. GRCh37 (hg19) VCF-style: chr1-45795087-G-C.
Other names: c.1457C>G, p.Ser486Cys (NM_001048171.2, NM_001048173.2, NM_001293195.2 and 6 more transcripts); c.1460C>G, p.Ser487Cys (NM_001048172.2, NM_001407071.1, NM_001407078.1 and 1 more transcripts); c.1541C>G, p.Ser514Cys (NM_001128425.2); c.1502C>G, p.Ser501Cys (NM_001293190.2); c.1490C>G, p.Ser497Cys (NM_001293191.2, NM_001407069.1, NM_001407077.1); c.1181C>G, p.Ser394Cys (NM_001293192.2, NM_001293196.2, NM_001407091.1); c.1112C>G, p.Ser371Cys (NM_001350650.2, NM_001350651.2, NM_001407082.1); c.1373C>G, p.Ser458Cys (NM_001407075.1); and 5 more; short protein forms S371C, S514C, S473C, S487C, S493C, S458C, S486C, S497C.
Identifiers: ClinVar variation 4113343 (VCV004113343.1).
Genomic context (GRCh38, chr1:45,329,415, plus strand): 5'-CGAAAGAAATTATCCAGGACTTGCTGGCCCATGCGGGGCTTTTTCCGACTGCACGGAGAG[G>C]ACACCTGGGACCTTTTGGAACCCTGTGAAAAAATGGAAGGAGGGAGGCCTTGTAGTTGGG-3'
Protein context (NP_001041639.1, residues 476-496): TCMGSKRSQV[Ser486Cys]SPCSRKKPRM